The following continues an entry in ClinVar:

NM_000059.4(BRCA2):c.8537_8538del (p.Glu2846fs)

Gene: BRCA2. ClinVar aggregate classification (germline): Pathogenic. Pathogenic (1).

Submissions 6 to 23 of 30:

All of Us Research Program, National Institutes of Health
Classification: Pathogenic for BRCA2-related cancer predisposition. Last evaluated: 2024-09-24. Review status: criteria provided, single submitter. Criteria: ACMG Guidelines, 2015. Collection method: clinical testing. Allele origin: germline. Inheritance: Autosomal dominant inheritance. Observed: 4 variant alleles, 4 heterozygotes. Not counted in ClinVar's aggregate classification.
Comment: This variant deletes 2 nucleotides in exon 20 of the BRCA2 gene, creating a frameshift and premature translation stop signal. This variant is expected to result in an absent or non-functional protein product. To our knowledge, functional studies have not been reported for this variant. This variant has been reported as a recurring pathogenic variant in French Canadian, Sardinian, and Yemenite Jewish populations (PMID: 9792861, 17640379, 23621881, 29086229). This variant has been identified in 3/251142 chromosomes in the general population by the Genome Aggregation Database (gnomAD). Loss of BRCA2 function is a known mechanism of disease. Based on the available evidence, this variant is classified as Pathogenic.

This study involves interpretation of variants in research participants for the purpose of population health screening. Participant phenotype was not available at the time of variant classification. Additional details can be found in publication PMID: 35346344, PMCID: PMC8962531

Mayo Clinic Laboratories, Mayo Clinic
Classification: Pathogenic. Last evaluated: 2024-08-30. Review status: criteria provided, single submitter. Criteria: ACMG Guidelines, 2015. Collection method: clinical testing. Allele origin: germline. Observed: 3 variant alleles. Not counted in ClinVar's aggregate classification.
Comment: PM5_strong, PVS1

Color Diagnostics, LLC DBA Color Health
Classification: Pathogenic for Hereditary cancer-predisposing syndrome. Last evaluated: 2024-07-28. Review status: criteria provided, single submitter. Criteria: ACMG Guidelines, 2015. Collection method: clinical testing. Allele origin: germline. Not counted in ClinVar's aggregate classification.
Comment: This variant deletes 2 nucleotides in exon 20 of the BRCA2 gene, creating a frameshift and premature translation stop signal. This variant is also known as 8765delAG in the literature. This variant is expected to result in an absent or non-functional protein product. This variant has been reported as a recurrent mutation in individuals and families affected with breast and ovarian cancer in North American, Europe and the Middle East (PMID: 8673090, 9634522, 15024741, 15382066, 16047344, 29446198, 33471991). A multifactorial analysis has reported a likelihood ratio for pathogenicity greater than 40,000:1 based on health history of 24 probands (PMID: 31853058). Haplotype analyses suggest that this mutation may have arisen independently as founder mutations in the French-Canadian, Yemenite Jewish and Sardinian populations (PMID: 11512557, 17640379). This variant has been identified in 3/251142 chromosomes in the general population by the Genome Aggregation Database (gnomAD). Loss of BRCA2 function is a known mechanism of disease. Based on the available evidence, this variant is classified as Pathogenic.

Baylor Genetics
Classification: Pathogenic for Familial cancer of breast. Last evaluated: 2024-03-07. Review status: criteria provided, single submitter. Criteria: ACMG Guidelines, 2015. Collection method: clinical testing. Allele origin: unknown. Not counted in ClinVar's aggregate classification.

Blueprint Genetics
Classification: Pathogenic for BRCA2-related disorders. Last evaluated: 2023-11-02. Review status: criteria provided, single submitter. Criteria: ACMG Guidelines, 2015. Collection method: clinical testing. Allele origin: germline. Affected: yes. Observed: 5 variant alleles. Not counted in ClinVar's aggregate classification.

CHEO Genetics Diagnostic Laboratory, Children's Hospital of Eastern Ontario
Classification: Pathogenic for Breast and/or ovarian cancer. Last evaluated: 2023-06-16. Review status: criteria provided, single submitter. Criteria: ACMG Guidelines, 2015. Collection method: clinical testing. Allele origin: germline. Not counted in ClinVar's aggregate classification.

Revvity Omics, Revvity
Classification: Pathogenic. Last evaluated: 2022-11-29. Review status: criteria provided, single submitter. Criteria: ACMG Guidelines, 2015. Collection method: clinical testing. Allele origin: germline. Not counted in ClinVar's aggregate classification.

Women's Health and Genetics/Laboratory Corporation of America, LabCorp
Classification: Pathogenic for Hereditary breast ovarian cancer syndrome. Last evaluated: 2022-06-03. Review status: criteria provided, single submitter. Criteria: LabCorp Variant Classification Summary - May 2015. Collection method: clinical testing. Allele origin: germline. Not counted in ClinVar's aggregate classification.
Comment: Variant summary: BRCA2 c.8537_8538delAG (p.Glu2846GlyfsX22) results in a premature termination codon, predicted to cause a truncation of the encoded protein or absence of the protein due to nonsense mediated decay, which are commonly known mechanisms for disease. Truncations downstream of this position have been classified as pathogenic by our laboratory. The variant allele was found at a frequency of 1.2e-05 in 251142 control chromosomes. c.8537_8538delAG has been reported in the literature in many individuals and families affected with Hereditary Breast And Ovarian Cancer Syndrome (example Phelan_1996, Machackova_2008, Ghadirian_2014) including 76 patients from the BIC database. It is commonly reported as a pathogenic variant in French Canadian, Yemenite Jewish, and Northern Sardinian populations (example Lerer_1998, Manning_2001, Palomba_ 2007). These data indicate that the variant is very likely to be associated with disease. Multiple clinical diagnostic laboratories and reputable databases have classified this variant as pathogenic in ClinVar. Based on the evidence outlined above, the variant was classified as pathogenic.

Institute for Clinical Genetics, University Hospital TU Dresden, University Hospital TU Dresden
Classification: Pathogenic. Last evaluated: 2021-11-03. Review status: criteria provided, single submitter. Criteria: ACMG Guidelines, 2015. Collection method: clinical testing. Allele origin: germline. Not counted in ClinVar's aggregate classification.

AiLife Diagnostics
Classification: Pathogenic. Last evaluated: 2021-07-23. Review status: criteria provided, single submitter. Criteria: ACMG Guidelines, 2015. Collection method: clinical testing. Allele origin: germline. Affected: yes. Observed: 1 variant allele. Not counted in ClinVar's aggregate classification.

GeneDx
Classification: Pathogenic. Last evaluated: 2020-02-17. Review status: criteria provided, single submitter. Criteria: GeneDx Variant Classification Process June 2021. Collection method: clinical testing. Allele origin: germline. Affected: yes. Not counted in ClinVar's aggregate classification.
Comment: Frameshift variant predicted to result in protein truncation or nonsense mediated decay in a gene for which loss-of-function is a known mechanism of disease; Not observed at a significant frequency in large population cohorts (Lek 2016); Truncating variants in this gene are considered pathogenic by a well-established clinical consortium and/or database; Also known as 8765delAG and 8765_8766delAG; This variant is associated with the following publications: (PMID: 23929434, 8673090, 16168118, 18489799, 21947752, 23302520, 23621881, 10422801, 15024741, 20694749, 26295337, 30014164, 28918466, 29086229, 29506128, 23199084, 25884701, 19656164, 26656232, 17640379, 25452441, 22798144, 21348412, 27836010, 27603373, 27160020, 25085752, 19619314, 15382066, 11512557, 9792861, 9634522, 21324516, 17591843, 16047344, 29560538, 22401979, 30720243, 30322717, 29625052)

Department of Pathology and Laboratory Medicine, Sinai Health System
Classification: Pathogenic for Familial cancer of breast; Breast-ovarian cancer, familial, susceptibility to, 2. Last evaluated: 2017-11-06. Review status: criteria provided, single submitter. Criteria: ACMG Guidelines, 2015. Collection method: clinical testing. Allele origin: germline. Affected: yes. Not counted in ClinVar's aggregate classification.

Department of Pathology and Molecular Medicine, Queen's University
Classification: Pathogenic for Hereditary breast ovarian cancer syndrome. Last evaluated: 2017-04-20. Review status: criteria provided, single submitter. Criteria: ACMG Guidelines, 2015. Collection method: clinical testing. Allele origin: germline. Study: The Canadian Open Genetics Repository (COGR). Not counted in ClinVar's aggregate classification.

Laboratory for Molecular Medicine, Mass General Brigham Personalized Medicine
Classification: Pathogenic for Hereditary breast ovarian cancer syndrome. Last evaluated: 2016-02-08. Review status: criteria provided, single submitter. Criteria: LMM Criteria. Collection method: clinical testing. Allele origin: germline. Observed: 2 variant alleles. Not counted in ClinVar's aggregate classification.
Comment: The p.Glu2846fs variant in BRCA2 is a well-established pathogenic founder varian t for several populations, including French Canadians, Jewish-Yemenites, and Nor thern Sardinian (Tonin 1998, Lerer 1998, Ferla 2007). This variant has been ide ntified in 1/66688 European chromosomes by the Exome Aggregation Consortium (ExA C; dbSNP rs80359716). This frequency is low enou gh to be consistent with the frequency of hereditary breast and ovarian cancer ( HBOC) in the general population. This variant is predicted to cause a frameshift , which alters the protein?s amino acid sequence beginning at position 2846 and leads to a premature termination codon 22 amino acids downstream. This alteratio n is then predicted to lead to a truncated or absent protein. Heterozygous loss of BRCA2 function is an established disease mechanism in HBOC. In summary, this variant meets our criteria to be classified as pathogenic for HBOC in an autosom al dominant manner.

Consortium of Investigators of Modifiers of BRCA1/2 (CIMBA), c/o University of Cambridge
Classification: Pathogenic for Breast-ovarian cancer, familial, susceptibility to, 2. Last evaluated: 2015-10-02. Review status: criteria provided, single submitter. Criteria: CIMBA Mutation Classification guidelines May 2016. Collection method: clinical testing. Allele origin: germline. Not counted in ClinVar's aggregate classification.

University Health Network, Familial Cancer Clinic, Princess Margaret Cancer Centre
Classification: Pathogenic for BRCA2-related cancer predisposition. Review status: criteria provided, single submitter. Criteria: ACMG Guidelines, 2015. Collection method: clinical testing. Allele origin: germline. Inheritance: Autosomal dominant inheritance. Affected: yes. Observed: 1 variant allele. Not counted in ClinVar's aggregate classification.

CZECANCA consortium
Classification: Pathogenic for Breast and/or ovarian cancer. Last evaluated: 2019-06-11. Review status: no assertion criteria provided. Collection method: clinical testing. Allele origin: germline. Affected: yes. Observed: 3 variant alleles. Not counted in ClinVar's aggregate classification.

Counsyl
Classification: Pathogenic for Breast-ovarian cancer, familial, susceptibility to, 2. Last evaluated: 2016-09-16. Review status: no assertion criteria provided. Collection method: clinical testing. Allele origin: unknown. Not counted in ClinVar's aggregate classification.